The following is an entry in ClinVar:

NM_003036.4(SKI):c.200C>T (p.Ala67Val)

Gene: SKI (SKI proto-oncogene; plus strand). Cytogenetic location: 1p36.33.
Variant type: single nucleotide variant.
Coding change: c.200C>T on transcript NM_003036.4 (MANE Select); coding-DNA position 200, C replaced by T.
Protein change: p.Ala67Val; replaces alanine 67 with valine.
Molecular consequence: missense variant.
Genome position (GRCh38, 1-based): chr1:2,228,966, C>T. VCF-style: chr1-2228966-C-T. GRCh37 (hg19) VCF-style: chr1-2160405-C-T.
Other names: c.200C>T (NM_003036.3); short protein forms A67V.
Identifiers: ClinVar variation 2918727 (VCV002918727.4), dbSNP rs1488816694, ClinGen allele CA337952300.

ClinVar aggregate classification (germline): Conflicting classifications of pathogenicity. Review status: criteria provided, conflicting classifications (1 of 4 stars). 2 submissions from 2 submitters: Uncertain significance (1); Likely benign (1). Last evaluated 2025-12-19.

Conditions:
Shprintzen-Goldberg syndrome (SGS). Also called: SHPRINTZEN-GOLDBERG CRANIOSYNOSTOSIS SYNDROME; CRANIOSYNOSTOSIS WITH ARACHNODACTYLY AND ABDOMINAL HERNIAS; Marfanoid disorder with craniosynostosis type 1; Marfanoid craniosynostosis syndrome; Shprintzen-Goldberg marfanoid syndrome. Identifiers: Orphanet 2462, MedGen C1321551, MONDO:0008426, OMIM 182212.
Familial thoracic aortic aneurysm and aortic dissection (TAAD). Also called: Thoracic aortic aneurysms and dissections. Identifiers: Orphanet 91387, MedGen C4707243, MONDO:0019625.

gnomAD v4.1: 3 of 1,438,924 alleles (0.00021%); highest among the groups gnomAD compares: Admixed American, 0.0026%; no homozygotes.

Submissions (2):

Ambry Genetics
Classification: Uncertain significance for Familial thoracic aortic aneurysm and aortic dissection. Last evaluated: 2025-12-19. Review status: criteria provided, single submitter. Criteria: Ambry Variant Classification Scheme 2023. Collection method: clinical testing. Allele origin: germline.
Comment: The p.A67V variant (also known as c.200C>T), located in coding exon 1 of the SKI gene, results from a C to T substitution at nucleotide position 200. The alanine at codon 67 is replaced by valine, an amino acid with similar properties. This amino acid position is conserved. In addition, this alteration is predicted to be tolerated by in silico analysis. Based on the available evidence, the clinical significance of this variant remains unclear.

Labcorp Genetics (formerly Invitae), Labcorp
Classification: Likely benign for Shprintzen-Goldberg syndrome. Last evaluated: 2023-12-14. Review status: criteria provided, single submitter. Criteria: Invitae Variant Classification Sherloc (09022015). Collection method: clinical testing. Allele origin: germline.